The following is an entry in ClinVar:

ClinVar aggregate classification (germline): Uncertain significance. Review status: criteria provided, single submitter (1 of 4 stars). 2 submissions from 1 submitter: Uncertain significance (2). Last evaluated 2018-12-03.

Conditions:
MHC class II deficiency. Also called: Bare lymphocyte syndrome 2; BLS, TYPE II. Identifiers: Orphanet 572, MedGen C5447452, MONDO:0008855.
MHC class II deficiency 1 (MHC2D1). Also called: SCID, HLA CLASS II-NEGATIVE; BARE LYMPHOCYTE SYNDROME, TYPE II, COMPLEMENTATION GROUP A; Bare lymphocyte syndrome type 2, complementation group A. Identifiers: MedGen C1859534, MONDO:0971005, OMIM 209920.
Rheumatoid arthritis (RA). Also called: RHEUMATOID ARTHRITIS, SUSCEPTIBILITY TO. Identifiers: MedGen C0003873, MONDO:0008383, OMIM 180300, HP:0001370.

Allele frequency attached by ClinVar (database versions not stated): gnomAD exomes below 0.00001.
gnomAD v4.1: 1 of 1,614,166 alleles (0.000062%); highest among the groups gnomAD compares: African/African-American, 0.0013%; no homozygotes.

Submissions (2):

Center for Genomics, Ann and Robert H. Lurie Children's Hospital of Chicago
Classification: Uncertain significance for MHC class II deficiency 1. Last evaluated: 2018-12-03. Review status: criteria provided, single submitter. Criteria: ACMG Guidelines, 2015. Collection method: clinical testing. Allele origin: germline.
Comment: CIITA NM_000246.3 exon9 p.Asn310Ile (c.929A>T): This variant has not been reported in the literature and is not present in large control databases. Evolutionary conservation for this variant is unclear, but computational predictive tools suggest that this variant may not impact the protein. In summary, data on this variant is insufficient for disease classification. Therefore, the clinical significance of this variant is uncertain.

Center for Genomics, Ann and Robert H. Lurie Children's Hospital of Chicago
Classification: Uncertain significance for Rheumatoid arthritis; MHC class II deficiency 1. Review status: criteria provided, single submitter. Criteria: ACMG Guidelines, 2015. Collection method: clinical testing. Allele origin: germline.
Comment: the same text as in the submission from Center for Genomics, Ann and Robert H. Lurie Children's Hospital of Chicago above.

NM_000246.4(CIITA):c.929A>T (p.Asn310Ile)

Gene: CIITA (class II major histocompatibility complex transactivator; plus strand). Cytogenetic location: 16p13.13.
Variant type: single nucleotide variant.
Coding change: c.929A>T on transcript NM_000246.4 (MANE Select); coding-DNA position 929, A replaced by T.
Protein change: p.Asn310Ile; replaces asparagine 310 with isoleucine.
Molecular consequence: missense variant. On other transcripts: non-coding transcript variant (1).
Genome position (GRCh38, 1-based): chr16:10,903,887, A>T. VCF-style: chr16-10903887-A-T. GRCh37 (hg19) VCF-style: chr16-10997744-A-T.
Other names: c.932A>T, p.Asn311Ile (NM_001286402.1, NM_001379332.1); c.782A>T, p.Asn261Ile (NM_001286403.2, NM_001379331.1); c.785A>T, p.Asn262Ile (NM_001379330.1); c.929A>T, p.Asn310Ile (NM_001379333.1); c.860A>T, p.Asn287Ile (NM_001379334.1); short protein forms N310I, N311I, N261I, N262I, N287I.
Identifiers: ClinVar variation 625919 (VCV000625919.3), dbSNP rs1567409783, ClinGen allele CA394729397.